The following is an entry in ClinVar:

NM_001005242.3(PKP2):c.208A>C (p.Ser70Arg)

Gene: PKP2 (plakophilin 2; minus strand). Cytogenetic location: 12p11.21.
Variant type: single nucleotide variant.
Coding change: c.208A>C on transcript NM_001005242.3 (MANE Select); coding-DNA position 208, A replaced by C.
Protein change: p.Ser70Arg; replaces serine 70 with arginine.
Molecular consequence: missense variant. On other transcripts: 5 prime UTR variant (4).
Genome position (GRCh38, 1-based): chr12:32,896,524, T>G on the plus strand (A>C on the coding strand, the complement: PKP2 is on the minus strand). VCF-style: chr12-32896524-T-G. GRCh37 (hg19) VCF-style: chr12-33049458-T-G.
Other names: c.208A>C, p.Ser70Arg (NM_001407155.1, NM_001407156.1, NM_001407157.1 and 2 more transcripts); c.-619A>C (NM_001407158.1, NM_001407162.1); c.-383A>C (NM_001407159.1, NM_001407160.1); short protein forms S70R.
Identifiers: ClinVar variation 4138099 (VCV004138099.1).

ClinVar aggregate classification (germline): Uncertain significance (1 of 4 stars; one submission).

Conditions:
Cardiovascular phenotype. Identifiers: MedGen CN230736.

Submission:

Ambry Genetics
Classification: Uncertain significance for Cardiovascular phenotype. Last evaluated: 2025-07-24. Review status: criteria provided, single submitter. Criteria: Ambry Variant Classification Scheme 2023. Collection method: clinical testing. Allele origin: germline.
Comment: The p.S70R variant (also known as c.208A>C), located in coding exon 1 of the PKP2 gene, results from an A to C substitution at nucleotide position 208. The serine at codon 70 is replaced by arginine, an amino acid with dissimilar properties. This amino acid position is conserved. In addition, this alteration is predicted to be tolerated by in silico analysis. Based on the available evidence, the clinical significance of this variant remains unclear.